The following is an entry in ClinVar:

NM_030928.4(CDT1):c.639G>A (p.Thr213=)

Gene: CDT1 (chromatin licensing and DNA replication factor 1; plus strand). Cytogenetic location: 16q24.3.
Variant type: single nucleotide variant.
Coding change: c.639G>A on transcript NM_030928.4 (MANE Select); coding-DNA position 639, G replaced by A.
Protein change: p.Thr213=; no amino-acid change (threonine 213 retained).
Molecular consequence: synonymous variant.
Genome position (GRCh38, 1-based): chr16:88,805,590, G>A. VCF-style: chr16-88805590-G-A. GRCh37 (hg19) VCF-style: chr16-88871998-G-A.
Identifiers: ClinVar variation 746454 (VCV000746454.17), dbSNP rs376711413, ClinGen allele CA8233739.

ClinVar aggregate classification (germline): Likely benign. Review status: criteria provided, multiple submitters, no conflicts (2 of 4 stars). 3 submissions from 3 submitters: Likely benign (3). Last evaluated 2025-11-19.

Allele frequency attached by ClinVar (database versions not stated): ExAC 0.00012; gnomAD exomes 0.00012 and 0.00018; TOPMed 0.00012; gnomAD 0.00018 and 0.00020; ESP Exome Variant Server 0.00023.
gnomAD v4.1: 293 of 1,612,688 alleles (0.018%); highest among the groups gnomAD compares: Non-Finnish European, 0.022%; no homozygotes.

Submissions (3):

Labcorp Genetics (formerly Invitae), Labcorp
Classification: Likely benign. Last evaluated: 2025-11-19. Review status: criteria provided, single submitter. Criteria: Invitae Variant Classification Sherloc (09022015). Collection method: clinical testing. Allele origin: germline.

CeGaT Center for Human Genetics Tuebingen
Classification: Likely benign. Last evaluated: 2025-08-01. Review status: criteria provided, single submitter. Criteria: CeGaT Center For Human Genetics Tuebingen Variant Classification Criteria Version 2. Collection method: clinical testing. Allele origin: germline. Affected: yes. Observed: 1 variant allele.
Comment: CDT1: BP4, BP7

Blueprint Genetics
Classification: Likely benign. Last evaluated: 2024-03-19. Review status: criteria provided, single submitter. Criteria: ACMG Guidelines, 2015. Collection method: clinical testing. Allele origin: germline.